The following is an entry in ClinVar:

ClinVar aggregate classification (germline): Uncertain significance (1 of 4 stars; one submission).

Conditions:
Arrhythmogenic right ventricular dysplasia 8 (ARVD8). Also called: Arrhythmogenic Right Ventricular Dysplasia/Cardiomyopathy 8; ARRHYTHMOGENIC RIGHT VENTRICULAR DYSPLASIA, FAMILIAL, 8; ARRHYTHMOGENIC RIGHT VENTRICULAR CARDIOMYOPATHY 8. Identifiers: MedGen C1843896, MONDO:0011831, OMIM 607450.
Arrhythmogenic cardiomyopathy with wooly hair and keratoderma. Also called: Arrhythmogenic cardiomyopathy with woolly hair and keratoderma; Carvajal syndrome; PALMOPLANTAR KERATODERMA WITH LEFT VENTRICULAR CARDIOMYOPATHY AND WOOLLY HAIR; Dilated cardiomyopathy with woolly hair and keratoderma. Identifiers: Orphanet 65282, MedGen C1854063, MONDO:0011581, OMIM 605676.

Submission:

Labcorp Genetics (formerly Invitae), Labcorp
Classification: Uncertain significance for Arrhythmogenic cardiomyopathy with wooly hair and keratoderma; Arrhythmogenic right ventricular dysplasia 8. Last evaluated: 2022-03-18. Review status: criteria provided, single submitter. Criteria: Invitae Variant Classification Sherloc (09022015). Collection method: clinical testing. Allele origin: germline.
Comment: This variant is not present in population databases (gnomAD no frequency). This variant has not been reported in the literature in individuals affected with DSP-related conditions. Algorithms developed to predict the effect of missense changes on protein structure and function are either unavailable or do not agree on the potential impact of this missense change (SIFT: "Deleterious"; PolyPhen-2: "Probably Damaging"; Align-GVGD: "Class C0"). Algorithms developed to predict the effect of sequence changes on RNA splicing suggest that this variant may disrupt the consensus splice site. In summary, the available evidence is currently insufficient to determine the role of this variant in disease. Therefore, it has been classified as a Variant of Uncertain Significance. This sequence change replaces glycine, which is neutral and non-polar, with valine, which is neutral and non-polar, at codon 1768 of the DSP protein (p.Gly1768Val).

NM_004415.4(DSP):c.5303G>T (p.Gly1768Val)

Gene: DSP (desmoplakin; plus strand). Cytogenetic location: 6p24.3.
Variant type: single nucleotide variant.
Coding change: c.5303G>T on transcript NM_004415.4 (MANE Select); coding-DNA position 5303, G replaced by T.
Protein change: p.Gly1768Val; replaces glycine 1768 with valine.
Molecular consequence: missense variant. On other transcripts: intron variant (2).
Genome position (GRCh38, 1-based): chr6:7,581,493, G>T. VCF-style: chr6-7581493-G-T. GRCh37 (hg19) VCF-style: chr6-7581726-G-T.
Other names: c.4051-1149G>T (NM_001319034.2); c.3583-1149G>T (NM_001008844.3); short protein forms G1768V.
Identifiers: ClinVar variation 1517073 (VCV001517073.8), dbSNP rs2113696049, ClinGen allele CA362688299.
Genomic context (GRCh38, chr6:7,581,493, plus strand): 5'-CCATCTTGGAACTAAGGAGCCAGCTGCAGATCAGCAACAACCGGACCCTGGAACTGCAGG[G>T]GCTGATTAATGATTTACAGAGAGAGAGGGAAAATTTGAGACAGGAAATTGAGAAATTCCA-3'
Protein context (NP_004406.2, residues 1758-1778): ISNNRTLELQ[Gly1768Val]LINDLQRERE